The following is an entry in ClinVar:

NM_206933.4(USH2A):c.14570G>C (p.Gly4857Ala)

Gene: USH2A (usherin; minus strand). Cytogenetic location: 1q41.
Variant type: single nucleotide variant.
Coding change: c.14570G>C on transcript NM_206933.4 (MANE Select); coding-DNA position 14570, G replaced by C.
Protein change: p.Gly4857Ala; replaces glycine 4857 with alanine.
Molecular consequence: missense variant.
Genome position (GRCh38, 1-based): chr1:215,648,540, C>G on the plus strand (G>C on the coding strand, the complement: USH2A is on the minus strand). VCF-style: chr1-215648540-C-G. GRCh37 (hg19) VCF-style: chr1-215821882-C-G.
Other names: short protein forms G4857A.
Identifiers: ClinVar variation 558160 (VCV000558160.17), dbSNP rs749889050, ClinGen allele CA1392993.

ClinVar aggregate classification (germline): Conflicting classifications of pathogenicity. Review status: criteria provided, conflicting classifications (1 of 4 stars). 9 submissions from 8 submitters: Pathogenic (1); Likely pathogenic (1); Uncertain significance (4). 3 of the submissions do not count toward it. Last evaluated 2025-08-25.

Conditions:
Retinitis pigmentosa (RP). Identifiers: Orphanet 791, MedGen C0035334, MeSH D012174, MONDO:0019200, OMIM 268000. Inheritance: Autosomal dominant, autosomal recessive and X linked inheritance.
Retinitis pigmentosa 39 (RP39). Identifiers: Orphanet 791, MedGen C3151138, MONDO:0013436, OMIM 613809.
Usher syndrome. Also called: Usher Syndromes; Usher's syndrome. Identifiers: Orphanet 886, MedGen CN469326, MeSH D052245, MONDO:0019501. Disease mechanism: loss of function.
USH2A-related disorder. Also called: USH2A-related disorders; USH2A-related condition. Identifiers: MedGen CN239332.
Usher syndrome type 2A. Also called: USHER SYNDROME, TYPE IIA; RETINAL DISEASE IN USHER SYNDROME TYPE IIA, MODIFIER OF. Identifiers: Orphanet 231178, Orphanet 886, MedGen C1848634, MONDO:0010169, OMIM 276901.

Allele frequency attached by ClinVar (database versions not stated): gnomAD exomes 0.00002; ExAC 0.00003; TOPMed 0.00003; gnomAD 0.00004.
gnomAD v4.1: 25 of 1,614,030 alleles (0.0015%); highest among the groups gnomAD compares: Non-Finnish European, 0.0019%; no homozygotes.

Submissions (9):

Women's Health and Genetics/Laboratory Corporation of America, LabCorp
Classification: Likely pathogenic for Usher syndrome. Last evaluated: 2025-08-25. Review status: criteria provided, single submitter. Criteria: LabCorp Variant Classification Summary - May 2015. Collection method: clinical testing. Allele origin: germline.
Comment: Variant summary: USH2A c.14570G>C (p.Gly4857Ala) results in a non-conservative amino acid change located in the Fibronectin type III domain (IPR003961) of the encoded protein sequence. Algorithms developed to predict the effect of missense changes on protein structure and function all suggest that this variant is likely to be disruptive. The variant allele was found at a frequency of 2e-05 in 250876 control chromosomes. c.14570G>C has been reported in the literature as a compound heterozygous genotype in at-least one individual with Usher syndrome who has been subsequently cited by others (example: Bonnet_2016, Fakin_2020) and as a likely pathogenic classification in a non-informative genotype (zygosity/genotype not specified) in a cohort undergoing comprehensive analysis for inherited retinal diseases (IRD) (example: Sharon_2019). To our knowledge, no experimental evidence demonstrating an impact on protein function has been reported. Another missense variant at this amino acid postion has been reported in the literature in affected individuals and has been submitted as likely pathogenic to ClinVar (c.14570G>T; p.Gly4857Val, Variation ID: 3028639) suggesting this codon could be critical for normal function of the protein. The following publications have been ascertained in the context of this evaluation (PMID: 27460420, 34638692, 36785559, 31456290). ClinVar contains an entry for this variant (Variation ID: 558160). Based on the evidence outlined above, the variant was classified as likely pathogenic.

Labcorp Genetics (formerly Invitae), Labcorp
Classification: Pathogenic. Last evaluated: 2025-05-05. Review status: criteria provided, single submitter. Criteria: Invitae Variant Classification Sherloc (09022015). Collection method: clinical testing. Allele origin: germline.
Comment: This sequence change replaces glycine, which is neutral and non-polar, with alanine, which is neutral and non-polar, at codon 4857 of the USH2A protein (p.Gly4857Ala). This variant is present in population databases (rs749889050, gnomAD 0.006%). This missense change has been observed in individual(s) with USH2A-related conditions (PMID: 27460420, 31456290, 36785559). ClinVar contains an entry for this variant (Variation ID: 558160). Invitae Evidence Modeling of protein sequence and biophysical properties (such as structural, functional, and spatial information, amino acid conservation, physicochemical variation, residue mobility, and thermodynamic stability) indicates that this missense variant is expected to disrupt USH2A protein function with a positive predictive value of 80%. This variant disrupts the p.Gly4857 amino acid residue in USH2A. Other variant(s) that disrupt this residue have been determined to be pathogenic (PMID: 32188678, 32675063). This suggests that this residue is clinically significant, and that variants that disrupt this residue are likely to be disease-causing. For these reasons, this variant has been classified as Pathogenic.

PreventionGenetics, part of Exact Sciences
Classification: Uncertain significance for USH2A-related condition. Last evaluated: 2024-12-06. Review status: criteria provided, single submitter. Criteria: ACMG Guidelines, 2015. Collection method: clinical testing. Allele origin: germline.
Comment: The USH2A c.14570G>C variant is predicted to result in the amino acid substitution p.Gly4857Ala. This variant was reported along with a second potentially causative variant in a patient with Usher syndrome (Table S2, Bonnet et al. 2016. PubMed ID: 27460420) and in at least one patient with retinitis pigmentosa without a second variant described (Table S5, Sharon et al. 2019. PubMed ID: 31456290; Table S2, Reurink et al. 2023. PubMed ID: 36785559). This variant is reported in 0.0058% of alleles in individuals of Latino descent in gnomAD. At this time, the clinical significance of this variant is uncertain due to the absence of conclusive functional and genetic evidence.

Genome-Nilou Lab
Classification: Uncertain significance for Retinitis pigmentosa 39. Last evaluated: 2023-11-04. Review status: criteria provided, single submitter. Criteria: ACMG Guidelines, 2015. Collection method: clinical testing. Allele origin: germline. Affected: no.

Genome-Nilou Lab
Classification: Uncertain significance for Usher syndrome type 2A. Last evaluated: 2023-11-04. Review status: criteria provided, single submitter. Criteria: ACMG Guidelines, 2015. Collection method: clinical testing. Allele origin: germline. Affected: no.

Blueprint Genetics
Classification: Uncertain significance. Last evaluated: 2023-08-22. Review status: criteria provided, single submitter. Criteria: ACMG Guidelines, 2015. Collection method: clinical testing. Allele origin: germline.

Natera, Inc.
Classification: Uncertain significance for Usher syndrome type 2A. Last evaluated: 2020-09-14. Review status: no assertion criteria provided. Collection method: clinical testing. Allele origin: germline. Not counted in ClinVar's aggregate classification.

Sharon lab, Hadassah-Hebrew University Medical Center
Classification: Likely pathogenic for Retinitis pigmentosa. Last evaluated: 2019-06-23. Review status: no assertion criteria provided. Collection method: research. Allele origin: inherited. Affected: yes. Not counted in ClinVar's aggregate classification.

Counsyl
Classification: Uncertain significance for Usher syndrome type 2A; Retinitis pigmentosa 39. Last evaluated: 2018-05-02. Review status: no assertion criteria provided. Collection method: clinical testing. Allele origin: unknown. Not counted in ClinVar's aggregate classification.

Literature cited by the submitters: PubMed 31456290 (cited by Women's Health and Genetics/Laboratory Corporation of America, LabCorp and Labcorp Genetics (formerly Invitae), Labcorp); PubMed 27460420 (cited by 3 submitters); PubMed 34638692 (cited by Women's Health and Genetics/Laboratory Corporation of America, LabCorp); PubMed 36785559 (cited by Women's Health and Genetics/Laboratory Corporation of America, LabCorp and Labcorp Genetics (formerly Invitae), Labcorp); PubMed 32188678 (cited by Labcorp Genetics (formerly Invitae), Labcorp); PubMed 32675063 (cited by Labcorp Genetics (formerly Invitae), Labcorp).